The following is an entry in ClinVar:

ClinVar aggregate classification (germline): Likely pathogenic (1 of 4 stars; one submission).

Conditions:
Cystic fibrosis (CF). Also called: MUCOVISCIDOSIS. Identifiers: Orphanet 586, MedGen C0010674, MONDO:0009061, OMIM 219700. Disease mechanism: loss of function.

Submission:

Women's Health and Genetics/Laboratory Corporation of America, LabCorp
Classification: Likely pathogenic for Cystic fibrosis. Last evaluated: 2022-03-26. Review status: criteria provided, single submitter. Criteria: LabCorp Variant Classification Summary - May 2015. Collection method: clinical testing. Allele origin: germline.
Comment: Variant summary: CFTR c.1970delG (p.Arg657LysfsX6) results in a premature termination codon, predicted to cause a truncation of the encoded protein or absence of the protein due to nonsense mediated decay, which are commonly known mechanisms for disease. Truncations downstream of this position have been classified as pathogenic by our laboratory. The variant was absent in 250848 control chromosomes. To our knowledge, no occurrence of c.1970delG in individuals affected with Cystic Fibrosis and no experimental evidence demonstrating its impact on protein function have been reported. No clinical diagnostic laboratories have submitted clinical-significance assessments for this variant to ClinVar after 2014. Based on the evidence outlined above, the variant was classified as likely pathogenic.

NM_000492.4(CFTR):c.1970del (p.Arg657fs)

Gene: CFTR (CF transmembrane conductance regulator; plus strand). Cytogenetic location: 7q31.2.
Variant type: Deletion.
Coding change: c.1970del on transcript NM_000492.4 (MANE Select); coding-DNA position 1970, one base deleted (G; older notation c.1970delG).
Protein change: p.Arg657fs; shifts the reading frame from arginine 657.
Molecular consequence: frameshift variant.
Genome position (GRCh38, 1-based): chr7:117,592,137, G deleted. VCF-style (leftmost placement, unchanged base first): chr7-117592136-AG-A. GRCh37 (hg19) VCF-style: chr7-117232190-AG-A.
Other names: short protein forms R657fs.
Identifiers: ClinVar variation 1677192 (VCV001677192.1), dbSNP rs2116030992, ClinGen allele CA457448912.